The following is an entry in ClinVar:

NM_017612.5(ZCCHC8):c.529A>C (p.Asn177His)

Gene: ZCCHC8 (zinc finger CCHC-type containing 8; minus strand). Cytogenetic location: 12q24.31.
Variant type: single nucleotide variant.
Coding change: c.529A>C on transcript NM_017612.5 (MANE Select); coding-DNA position 529, A replaced by C.
Protein change: p.Asn177His; replaces asparagine 177 with histidine.
Molecular consequence: missense variant. On other transcripts: intron variant (3).
Genome position (GRCh38, 1-based): chr12:122,483,536, T>G on the plus strand (A>C on the coding strand, the complement: ZCCHC8 is on the minus strand). VCF-style: chr12-122483536-T-G. GRCh37 (hg19) VCF-style: chr12-122968083-T-G.
Other names: c.232A>C, p.Asn78His (NM_001350936.2); c.-43-841A>C (NM_001350938.2, NM_001350937.2); c.502-1449A>C (NM_001350935.2); short protein forms N78H, N177H.
Identifiers: ClinVar variation 5001832 (VCV005001832.1).

ClinVar aggregate classification (germline): Uncertain significance (1 of 4 stars; one submission).

Conditions:
ZCCHC8-related disorder. Also called: ZCCHC8-related condition.

Submission:

PreventionGenetics, part of Exact Sciences
Classification: Uncertain significance for ZCCHC8-related condition. Last evaluated: 2024-12-21. Review status: criteria provided, single submitter. Criteria: ACMG Guidelines, 2015. Collection method: clinical testing. Allele origin: germline.
Comment: The ZCCHC8 c.529A>C variant is predicted to result in the amino acid substitution p.Asn177His. To our knowledge, this variant has not been reported in the literature or in a large population database (gnomAD), indicating this variant is rare. At this time, the clinical significance of this variant is uncertain due to the absence of conclusive functional and genetic evidence.